The following is an entry in ClinVar:

NM_001374736.1(DST):c.4833C>G (p.Phe1611Leu)

Gene: DST (dystonin; minus strand). Cytogenetic location: 6p12.1.
Variant type: single nucleotide variant.
Coding change: c.4833C>G on transcript NM_001374736.1 (MANE Select); coding-DNA position 4833, C replaced by G.
Protein change: p.Phe1611Leu; replaces phenylalanine 1611 with leucine.
Molecular consequence: missense variant.
Genome position (GRCh38, 1-based): chr6:56,624,626, G>C on the plus strand (C>G on the coding strand, the complement: DST is on the minus strand). VCF-style: chr6-56624626-G-C. GRCh37 (hg19) VCF-style: chr6-56489424-G-C.
Other names: c.4734C>G, p.Phe1578Leu (NM_001144769.5); c.4320C>G, p.Phe1440Leu (NM_001144770.2); c.4833C>G, p.Phe1611Leu (NM_001374722.1); c.4200C>G, p.Phe1400Leu (NM_001374729.1, NM_001374730.1, NM_001386100.1 and 1 more transcripts); c.4860C>G, p.Phe1620Leu (NM_001374734.1); c.3222C>G, p.Phe1074Leu (NM_001723.7, NM_015548.5); short protein forms F1074L, F1440L, F1611L, F1400L, F1578L, F1620L.
Identifiers: ClinVar variation 809959 (VCV000809959.49), dbSNP rs1563270846, ClinGen allele CA364572648.
Genomic context (GRCh38, chr6:56,624,626, plus strand): 5'-AAATTTAATATATTGTGTCATGAGAGTGACCAGGGCAGTATATCGAGTCCTTAGGTCCAT[G>C]AACTGCAAGTAAGGAAAAAAATAATAAAAGCATTACCTCCAGTTACTCTTACTAAGTTGA-3'
Protein context (NP_001361665.1, residues 1601-1621): QSSADLIIQE[Phe1611Leu]MDLRTRYTAL

ClinVar aggregate classification (germline): Uncertain significance. Review status: criteria provided, multiple submitters, no conflicts (2 of 4 stars). 3 submissions from 3 submitters: Uncertain significance (3). Last evaluated 2023-07-07.

Conditions:
Hereditary sensory and autonomic neuropathy type 6. Also called: Neuropathy, hereditary sensory and autonomic, type VI; HSAN VI. Identifiers: Orphanet 314381, MedGen C3539003, MONDO:0013839, OMIM 614653.
Epidermolysis bullosa simplex 3, localized or generalized intermediate, with BP230 deficiency (EBS3). Also called: Epidermolysis bullosa simplex, autosomal recessive 2; Epidermolysis bullosa simplex due to BP230 deficiency. Identifiers: Orphanet 412181, MedGen C3809470, MONDO:0014180, OMIM 615425.
Inborn genetic diseases. Identifiers: MedGen C0950123, MeSH D030342.

Allele frequency attached by ClinVar (database versions not stated): gnomAD exomes 0.00001.
gnomAD v4.1: 22 of 1,602,164 alleles (0.0014%); highest among the groups gnomAD compares: Non-Finnish European, 0.0019%; no homozygotes.

Submissions (3):

Labcorp Genetics (formerly Invitae), Labcorp
Classification: Uncertain significance for Epidermolysis bullosa simplex 3, localized or generalized intermediate, with BP230 deficiency; Hereditary sensory and autonomic neuropathy type 6. Last evaluated: 2023-07-07. Review status: criteria provided, single submitter. Criteria: Invitae Variant Classification Sherloc (09022015). Collection method: clinical testing. Allele origin: germline.
Comment: This variant has not been reported in the literature in individuals affected with DST-related conditions. ClinVar contains an entry for this variant (Variation ID: 809959). An algorithm developed to predict the effect of missense changes on protein structure and function (PolyPhen-2) suggests that this variant is likely to be disruptive. In summary, the available evidence is currently insufficient to determine the role of this variant in disease. Therefore, it has been classified as a Variant of Uncertain Significance. This variant is not present in population databases (gnomAD no frequency). This sequence change replaces phenylalanine, which is neutral and non-polar, with leucine, which is neutral and non-polar, at codon 1074 of the DST protein (p.Phe1074Leu).

Ambry Genetics
Classification: Uncertain significance for Inborn genetic diseases. Last evaluated: 2021-12-13. Review status: criteria provided, single submitter. Criteria: Ambry Variant Classification Scheme 2023. Collection method: clinical testing. Allele origin: germline.
Comment: The p.F1578L variant (also known as c.4734C>G), located in coding exon 35 of the DST gene, results from a C to G substitution at nucleotide position 4734. The phenylalanine at codon 1578 is replaced by leucine, an amino acid with highly similar properties. This amino acid position is highly conserved in available vertebrate species. In addition, this alteration is predicted to be tolerated by in silico analysis. Since supporting evidence is limited at this time, the clinical significance of this alteration remains unclear.

CeGaT Center for Human Genetics Tuebingen
Classification: Uncertain significance. Last evaluated: 2019-04-01. Review status: criteria provided, single submitter. Criteria: CeGaT Center For Human Genetics Tuebingen Variant Classification Criteria Version 2. Collection method: clinical testing. Allele origin: germline. Affected: yes. Observed: 1 variant allele.